The following is an entry in ClinVar:

ClinVar aggregate classification (germline): Pathogenic/Likely pathogenic. Review status: criteria provided, multiple submitters, no conflicts (2 of 4 stars). 21 submissions from 21 submitters: Pathogenic (13); Likely pathogenic (8). Last evaluated 2026-05-24.

Conditions:
ACADM-related disorder. Also called: ACADM-related condition.
Inborn genetic diseases. Identifiers: MedGen C0950123, MeSH D030342.
Medium-chain acyl-coenzyme A dehydrogenase deficiency (ACADMD). Also called: ACADM DEFICIENCY; MCAD Deficiency; MCADD; CARNITINE DEFICIENCY SECONDARY TO MEDIUM-CHAIN ACYL-CoA DEHYDROGENASE DEFICIENCY; MCADH DEFICIENCY; Medium chain acyl-CoA dehydrogenase deficiency. Identifiers: Orphanet 42, MedGen C0220710, MONDO:0008721, OMIM 201450.

Allele frequency attached by ClinVar (database versions not stated): ExAC 0.00017; gnomAD exomes 0.00025 and 0.00020; gnomAD 0.00046 and 0.00051; TOPMed 0.00105; ESP Exome Variant Server 0.00023; 1000 Genomes Project 0.00040; 1000 Genomes Project 30x 0.00047.
gnomAD v4.1: 362 of 1,544,834 alleles (0.023%); highest among the groups gnomAD compares: Middle Eastern, 0.22%; 2 homozygotes.

Submissions 1 to 11 of 21:

PreventionGenetics, part of Exact Sciences
Classification: Pathogenic for ACADM-related condition. Last evaluated: 2026-05-24. Review status: criteria provided, single submitter. Criteria: ACMG Guidelines, 2015. Collection method: clinical testing. Allele origin: germline.
Comment: The ACADM c.600-18G>A variant is predicted to interfere with splicing. This variant is predicted to create a novel splice acceptor site 16 nucleotides upstream of the nearby canonical splice acceptor site (Alamut Visual v2.11). Functional studies indicated this variant led to partial abnormal splicing (Grünert et al. 2015. PubMed ID: 26223887). This variant has also been reported to be associated with medium chain acyl-CoA dehydrogenase deficiency (MCADD) (e.g., Grünert et al. 2015. PubMed ID: 26223887; Narravula et al. 2017. PubMed ID: 27308838) although it is not clear whether this variant is associated with a clinical phenotype (Smith et al. 2010. PubMed ID: 20434380; Grünert et al. 2015. PubMed ID: 26223887; Jager et al. 2019. PubMed ID: 31012112; Table S2, Navarrete et al. 2019. PubMed ID: 30626930). This variant is reported in 0.23% of alleles in individuals of Ashkenazi Jewish descent in gnomAD and has been has been classified in ClinVar as Pathogenic/Likely Pathogenic (Variation ID: 226084). Based on these observations, we classify this variant as pathogenic.

Otogenetics
Classification: Likely pathogenic for Medium-chain acyl-coenzyme A dehydrogenase deficiency. Last evaluated: 2026-02-08. Review status: criteria provided, single submitter. Criteria: ACMG Guidelines, 2015. Collection method: clinical testing. Allele origin: germline.
Comment: PS3_Supporting: Well-established in vitro and in vivo functional studies supportive of damaging effect on the gene product, with low residual enzymatic activity relative to wild-type reported (PMID: 26223887); PM2_Supporting: Maximum gnomAD MAF of 0.232% in Ashkenazi Jewish (ASJ) subpopulation (<0.232% threshold); PM3_Strong: Variant reported in trans with one pathogenic variant in two individuals affected with medium-chain acyl-coA dehydrogenase, confirmed with parental testing (PMID: 26223887)

Labcorp Genetics (formerly Invitae), Labcorp
Classification: Pathogenic for Medium-chain acyl-coenzyme A dehydrogenase deficiency. Last evaluated: 2026-01-24. Review status: criteria provided, single submitter. Criteria: Invitae Variant Classification Sherloc (09022015). Collection method: clinical testing. Allele origin: germline.
Comment: This sequence change falls in intron 7 of the ACADM gene. It does not directly change the encoded amino acid sequence of the ACADM protein. RNA analysis indicates that this variant induces altered splicing and may result in an absent or altered protein product. This variant is present in population databases (rs370523609, gnomAD 0.2%). This variant has been observed in individual(s) with mild medium chain acyl-coenzyme A dehydrogenase (MCAD) deficiency on biochemical testing (PMID: 20434380, 26223887, 27308838, 27477829). In at least one individual the data is consistent with being in trans (on the opposite chromosome) from a pathogenic variant. ClinVar contains an entry for this variant (Variation ID: 226084). Studies have shown that this variant results in aberrant splicing, and produces a non-functional protein and/or introduces a premature termination codon (PMID: 26223887). For these reasons, this variant has been classified as Pathogenic.

Natera, Inc.
Classification: Pathogenic for Medium Chain Acyl-CoA Dehydrogenase Deficiency. Last evaluated: 2025-10-10. Review status: criteria provided, single submitter. Criteria: Natera Variant Classification Schema (03/2026). Collection method: clinical testing. Allele origin: germline.
Comment: The c.600-18G>A variant in ACADM is an intronic variant located outside the canonical splice sites. This variant is rare in the general population with a frequency below the threshold expected for the associated phenotype(s). This variant has been observed in one or more individuals affected with the associated recessive disease, as either homozygous or compound heterozygous with a second variant (PMID: 36840705, 20434380). Additionally, this variant has been observed to segregate in affected family members (PMID: 26223887). This variant has been identified in one or more affected individuals with a phenotype highly consistent with the associated gene (PMID: 20434380, 36840705). Functional studies show that this variant may disrupt protein function (PMID: 26223887). Given the available evidence, this variant is classified as Pathogenic.

Variantyx, Inc.
Classification: Pathogenic for Medium-chain acyl-coenzyme A dehydrogenase deficiency. Last evaluated: 2025-04-22. Review status: criteria provided, single submitter. Criteria: Variantyx Assertion Criteria 2022. Collection method: clinical testing. Allele origin: paternal. Inheritance: Autosomal recessive inheritance. Affected: no.
Comment: Pathogenic variants in this gene have been associated with autosomal recessive medium chain acyl-CoA dehydrogenase (MCAD) deficiency. This intronic variant creates a cryptic donor splice site and is expected to result in loss of function, which is a known disease mechanism for ACADM in this disorder (PMID: 20301597)(PVS1). This variant has been reported in the compound heterozygous state in at least one affected individual (PMID: 26223887) (PM3_Supporting). This variant has a 0.1418% maximum allele frequency in non-founder control populations (PM2_Supporting). Based on the current evidence, this variant is classified as pathogenic for autosomal recessive medium chain acyl-CoA dehydrogenase (MCAD) deficiency.

Mayo Clinic Laboratories, Mayo Clinic
Classification: Pathogenic. Last evaluated: 2025-03-10. Review status: criteria provided, single submitter. Criteria: ACMG Guidelines, 2015. Collection method: clinical testing. Allele origin: germline. Observed: 3 variant alleles.
Comment: PP1, PP4, PM3_strong, PS3

Blueprint Genetics
Classification: Likely pathogenic for ACADM-related disorders. Last evaluated: 2024-11-18. Review status: criteria provided, single submitter. Criteria: ACMG Guidelines, 2015. Collection method: clinical testing. Allele origin: germline. Affected: yes. Observed: 5 variant alleles.

Fulgent Genetics
Classification: Pathogenic for Medium-chain acyl-coenzyme A dehydrogenase deficiency. Last evaluated: 2024-05-17. Review status: criteria provided, single submitter. Criteria: ACMG Guidelines, 2015. Collection method: clinical testing. Allele origin: germline.

Baylor Genetics
Classification: Pathogenic for Medium-chain acyl-coenzyme A dehydrogenase deficiency. Last evaluated: 2024-03-30. Review status: criteria provided, single submitter. Criteria: ACMG Guidelines, 2015. Collection method: clinical testing. Allele origin: unknown.

Genomic Medicine Center of Excellence, King Faisal Specialist Hospital and Research Centre
Classification: Likely pathogenic for Medium-chain acyl-coenzyme A dehydrogenase deficiency. Last evaluated: 2024-03-26. Review status: criteria provided, single submitter. Criteria: ACMG Guidelines, 2015. Collection method: clinical testing. Allele origin: germline.

Laboratory of Medical Genetics, National & Kapodistrian University of Athens
Classification: Pathogenic for Medium-chain acyl-coenzyme A dehydrogenase deficiency. Last evaluated: 2024-02-01. Review status: criteria provided, single submitter. Criteria: ACMG Guidelines, 2015. Collection method: curation. Allele origin: germline. Affected: no.

NM_000016.6(ACADM):c.600-18G>A

Gene: ACADM (acyl-CoA dehydrogenase medium chain; plus strand). Cytogenetic location: 1p31.1.
Variant type: single nucleotide variant.
Coding change: c.600-18G>A on transcript NM_000016.6 (MANE Select); 18 bases into the intron before coding-DNA position 600, G replaced by A.
Molecular consequence: intron variant.
Genome position (GRCh38, 1-based): chr1:75,745,788, G>A. VCF-style: chr1-75745788-G-A. GRCh37 (hg19) VCF-style: chr1-76211473-G-A.
Other names: p.?; c.612-18G>A (NM_001127328.3); c.699-18G>A (NM_001286043.2, NM_001286043.1); c.492-18G>A (NM_001286042.2); c.33-18G>A (NM_001286044.2).
Identifiers: ClinVar variation 226084 (VCV000226084.48), dbSNP rs370523609, ClinGen allele CA913154.
Genomic context (GRCh38, chr1:75,745,788, plus strand): 5'-AGAGAATTAACTGAGAGAGCAATCACCATGTGTTATTTGCCGATATTATCACCATTATCC[G>A]GTATGTGTATCTCTTAGGTATTTTTTATTGGCACGTTCTGATCCAGATCCTAAAGCTCCT-3'